The following is an entry in ClinVar:

ClinVar aggregate classification (germline): Uncertain significance. Review status: criteria provided, multiple submitters, no conflicts (2 of 4 stars). 4 submissions from 4 submitters: Uncertain significance (4). Last evaluated 2025-06-30.

Conditions:
Inborn genetic diseases. Identifiers: MedGen C0950123, MeSH D030342.
Facioscapulohumeral muscular dystrophy 2 (FSHD2). Also called: FACIOSCAPULOHUMERAL MUSCULAR DYSTROPHY 2, DIGENIC; FSHD2, DIGENIC; MUSCULAR DYSTROPHY, FACIOSCAPULOHUMERAL, TYPE 1B. Identifiers: Orphanet 269, MedGen C1834671, MONDO:0008031, OMIM 158901.

Allele frequency attached by ClinVar (database versions not stated): ExAC below 0.00001; gnomAD exomes 0.00003 and 0.00006; gnomAD 0.00008 and 0.00009; ESP Exome Variant Server 0.00009; TOPMed 0.00014.
gnomAD v4.1: 99 of 1,551,144 alleles (0.0064%); highest among the groups gnomAD compares: Non-Finnish European, 0.0079%; no homozygotes.

Submissions (4):

Ambry Genetics
Classification: Uncertain significance for Inborn genetic diseases. Last evaluated: 2025-06-30. Review status: criteria provided, single submitter. Criteria: Ambry Variant Classification Scheme 2023. Collection method: clinical testing. Allele origin: germline.

Labcorp Genetics (formerly Invitae), Labcorp
Classification: Uncertain significance for Facioscapulohumeral muscular dystrophy 2. Last evaluated: 2024-10-24. Review status: criteria provided, single submitter. Criteria: Invitae Variant Classification Sherloc (09022015). Collection method: clinical testing. Allele origin: germline.
Comment: This sequence change replaces isoleucine, which is neutral and non-polar, with threonine, which is neutral and polar, at codon 1804 of the SMCHD1 protein (p.Ile1804Thr). This variant is present in population databases (rs370249291, gnomAD 0.009%). This variant has not been reported in the literature in individuals affected with SMCHD1-related conditions. ClinVar contains an entry for this variant (Variation ID: 285182). Invitae Evidence Modeling of protein sequence and biophysical properties (such as structural, functional, and spatial information, amino acid conservation, physicochemical variation, residue mobility, and thermodynamic stability) indicates that this missense variant is not expected to disrupt SMCHD1 protein function with a negative predictive value of 80%. In summary, the available evidence is currently insufficient to determine the role of this variant in disease. Therefore, it has been classified as a Variant of Uncertain Significance.

Revvity Omics, Revvity
Classification: Uncertain significance. Last evaluated: 2022-12-08. Review status: criteria provided, single submitter. Criteria: ACMG Guidelines, 2015. Collection method: clinical testing. Allele origin: germline.

Eurofins Ntd Llc (ga)
Classification: Uncertain significance. Last evaluated: 2018-07-19. Review status: criteria provided, single submitter. Criteria: EGL ClinVar v180209 classification definitions. Collection method: clinical testing. Allele origin: germline. Observed: 6 variant alleles, 6 heterozygotes.

NM_015295.3(SMCHD1):c.5411T>C (p.Ile1804Thr)

Gene: SMCHD1 (structural maintenance of chromosomes flexible hinge domain containing 1; plus strand). Cytogenetic location: 18p11.32.
Variant type: single nucleotide variant.
Coding change: c.5411T>C on transcript NM_015295.3 (MANE Select); coding-DNA position 5411, T replaced by C.
Protein change: p.Ile1804Thr; replaces isoleucine 1804 with threonine.
Molecular consequence: missense variant.
Genome position (GRCh38, 1-based): chr18:2,777,850, T>C. VCF-style: chr18-2777850-T-C. GRCh37 (hg19) VCF-style: chr18-2777848-T-C.
Other names: short protein forms I1804T.
Identifiers: ClinVar variation 285182 (VCV000285182.16), dbSNP rs370249291, ClinGen allele CA8871719.